The following is an entry in ClinVar:

NM_005259.3(MSTN):c.*41G>T

Genes: C2orf88 (chromosome 2 open reading frame 88; plus strand), MSTN (myostatin; minus strand). Cytogenetic location: 2q32.2.
Variant type: single nucleotide variant.
Coding change: c.*41G>T on transcript NM_005259.3 (MANE Select); 41 bases downstream of the stop codon, G replaced by T.
Molecular consequence: 3 prime UTR variant.
Genome position (GRCh38, 1-based): chr2:190,057,217, C>A on the plus strand (G>T on the coding strand, the complement: MSTN is on the minus strand). VCF-style: chr2-190057217-C-A. GRCh37 (hg19) VCF-style: chr2-190921943-C-A.
Other names: c.*41G>T (LRG_200t1).
Identifiers: ClinVar variation 333233 (VCV000333233.5), dbSNP rs762191502, ClinGen allele CA2026994.

ClinVar aggregate classification (germline): Likely benign (1 of 4 stars; one submission).

Conditions:
Myostatin-related muscle hypertrophy (MSLHP). Also called: MUSCLE HYPERTROPHY. Identifiers: Orphanet 275534, MedGen C2931112, MONDO:0013598, OMIM 614160.

Allele frequency attached by ClinVar (database versions not stated): gnomAD 0.00001; gnomAD exomes 0.00001 and 0.00002; TOPMed 0.00001; ExAC 0.00002.
gnomAD v4.1: 6 of 1,610,584 alleles (0.00037%); highest among the groups gnomAD compares: Middle Eastern, 0.017%; no homozygotes.

Submission:

Illumina Laboratory Services, Illumina
Classification: Likely benign for Myostatin-related muscle hypertrophy. Last evaluated: 2018-01-13. Review status: criteria provided, single submitter. Criteria: ICSL Variant Classification Criteria 13 December 2019. Collection method: clinical testing. Allele origin: germline.
Comment: This variant was observed in the ICSL laboratory as part of a predisposition screen in an ostensibly healthy population. It had not been previously curated by ICSL or reported in the Human Gene Mutation Database (HGMD: prior to June 1st, 2018), and was therefore a candidate for classification through an automated scoring system. Utilizing variant allele frequency, disease prevalence and penetrance estimates, and inheritance mode, an automated score was calculated to assess if this variant is too frequent to cause the disease. Based on the score and internal cut-off values, a variant classified as likely benign is not then subjected to further curation. The score for this variant resulted in a classification of likely benign for this disease.